The following is an entry in ClinVar:

ClinVar aggregate classification (germline): Likely pathogenic (1 of 4 stars; one submission).

Conditions:
Autosomal recessive limb-girdle muscular dystrophy type 2J (LGMDR10). Also called: Limb-girdle muscular dystrophy, type 2J; MUSCULAR DYSTROPHY, LIMB-GIRDLE, AUTOSOMAL RECESSIVE 10. Identifiers: Orphanet 140922, MedGen C1837342, MONDO:0012127, OMIM 608807.
Dilated cardiomyopathy 1G (CMD1G). Identifiers: Orphanet 154, MedGen C1858763, MONDO:0011400, OMIM 604145.

Submission:

Labcorp Genetics (formerly Invitae), Labcorp
Classification: Likely pathogenic for Dilated cardiomyopathy 1G; Autosomal recessive limb-girdle muscular dystrophy type 2J. Last evaluated: 2025-07-29. Review status: criteria provided, single submitter. Criteria: Invitae Variant Classification Sherloc (09022015). Collection method: clinical testing. Allele origin: germline.
Comment: This sequence change creates a premature translational stop signal (p.Gly16514Argfs*4) in the TTN gene. While this is not anticipated to result in nonsense mediated decay, it is expected to create a truncated TTN protein. This variant is not present in population databases (gnomAD no frequency). This variant has not been reported in the literature in individuals affected with TTN-related conditions. This variant is located in the A band of TTN (PMID: 25589632). Truncating variants in this region are significantly overrepresented in patients affected with dilated cardiomyopathy (PMID: 25589632). Truncating variants in this region have also been reported in individuals affected with autosomal recessive centronuclear myopathy (PMID: 23975875). In summary, the currently available evidence indicates that the variant is pathogenic, but additional data are needed to prove that conclusively. Therefore, this variant has been classified as Likely Pathogenic.

Literature cited by the submitters: PubMed 25589632; PubMed 23975875.

NM_001267550.2(TTN):c.49539dup (p.Gly16514fs)

Genes: TTN-AS1 (TTN antisense RNA 1; plus strand), TTN (titin; minus strand). Cytogenetic location: 2q31.2.
Variant type: Duplication.
Coding change: c.49539dup on transcript NM_001267550.2 (MANE Select); coding-DNA position 49539, one base duplicated (A; older notation c.49539dupA).
Protein change: p.Gly16514fs; shifts the reading frame from glycine 16514.
Molecular consequence: frameshift variant.
Genome position (GRCh38, 1-based): chr2:178,613,270, T duplicated on the plus strand (A on the coding strand, the reverse complement: TTN is on the minus strand); the first of 3 consecutive T bases (chr2:178,613,270-178,613,272); duplicating any one gives the same sequence. VCF-style (leftmost placement, unchanged base first): chr2-178613269-C-CT. GRCh37 (hg19) VCF-style: chr2-179477996-C-CT.
Other names: c.44616dup, p.Gly14873fs (NM_001256850.1); c.22344dup, p.Gly7449fs (NM_003319.4); c.41835dup, p.Gly13946fs (NM_133378.4); c.22719dup, p.Gly7574fs (NM_133432.3); c.22920dup, p.Gly7641fs (NM_133437.4); short protein forms G14873fs, G7641fs, G13946fs, G16514fs, G7574fs, G7449fs.
Identifiers: ClinVar variation 4785708 (VCV004785708.1).
Genomic context (GRCh38, chr2:178,613,269, plus strand): 5'-CAGGTCCAGCAAGATTTTCAGCCAACACACGGAATCTGTATTTTTTCTTATTAGTGAGAC[C>CT]TTTCACTCTGAATTAGGAACAAAGTGCATGTGTATCATCATGGTAAGAAGCAGAAGAAGC-3'